The following is an entry in ClinVar:

ClinVar aggregate classification (germline): Uncertain significance (1 of 4 stars; one submission).

Conditions:
Epidermolysis bullosa simplex with nail dystrophy (EBS5D). Identifiers: MedGen C4225309, MONDO:0014661, OMIM 616487.
Autosomal recessive limb-girdle muscular dystrophy type 2Q (LGMDR17). Also called: MUSCULAR DYSTROPHY, LIMB-GIRDLE, AUTOSOMAL RECESSIVE 17. Identifiers: Orphanet 254361, MedGen C3150989, MONDO:0013390, OMIM 613723.
Epidermolysis bullosa simplex 5B, with muscular dystrophy (EBS5B). Also called: EPIDERMOLYSIS BULLOSA SIMPLEX AND LIMB-GIRDLE MUSCULAR DYSTROPHY; Epidermolysis bullosa simplex with muscular dystrophy. Identifiers: Orphanet 257, MedGen C2931072, MONDO:0009181, OMIM 226670.
Epidermolysis bullosa simplex, Ogna type (EBS5A). Also called: Pidermolysis bullosa simplex 5A, Ogna type; EPIDERMOLYSIS BULLOSA SIMPLEX 5A, OGNA TYPE. Identifiers: Orphanet 79401, MedGen C0432317, MONDO:0007555, OMIM 131950.
Epidermolysis bullosa simplex 5C, with pyloric atresia (EBS5C). Also called: PLEC-Related Epidermolysis Bullosa with Pyloric Atresia; Epidermolysis bullosa simplex with pyloric atresia; PLEC1-Related Epidermolysis Bullosa with Pyloric Atresia. Identifiers: Orphanet 158684, MedGen C2677349, MONDO:0012807, OMIM 612138.

Submission:

Labcorp Genetics (formerly Invitae), Labcorp
Classification: Uncertain significance for Autosomal recessive limb-girdle muscular dystrophy type 2Q; Epidermolysis bullosa simplex, Ogna type; Epidermolysis bullosa simplex with nail dystrophy; Epidermolysis bullosa simplex 5C, with pyloric atresia; Epidermolysis bullosa simplex 5B, with muscular dystrophy. Last evaluated: 2023-11-28. Review status: criteria provided, single submitter. Criteria: Invitae Variant Classification Sherloc (09022015). Collection method: clinical testing. Allele origin: germline.
Comment: This variant, c.6464_6469dup, results in the insertion of 2 amino acid(s) of the PLEC protein (p.Arg2155_Ala2156dup), but otherwise preserves the integrity of the reading frame. This variant is present in population databases (rs782029742, gnomAD 0.001%). This variant has not been reported in the literature in individuals affected with PLEC-related conditions. ClinVar contains an entry for this variant (Variation ID: 2127623). Experimental studies and prediction algorithms are not available or were not evaluated, and the functional significance of this variant is currently unknown. In summary, the available evidence is currently insufficient to determine the role of this variant in disease. Therefore, it has been classified as a Variant of Uncertain Significance.

NM_201384.3(PLEC):c.6383_6388dup (p.Ala2129_Gln2130insArgAla)

Gene: PLEC (plectin; minus strand). Cytogenetic location: 8q24.3.
Variant type: Duplication.
Coding change: c.6383_6388dup on transcript NM_201384.3 (MANE Select); coding-DNA positions 6383 to 6388, 6 bases duplicated (GGGCTC; older notation c.6383_6388dupGGGCTC).
Protein change: p.Ala2129_Gln2130insArgAla.
Molecular consequence: inframe insertion.
Genome position (GRCh38, 1-based): chr8:143,923,541-143,923,546, GAGCCC duplicated on the plus strand (GGGCTC on the coding strand, the reverse complement: PLEC is on the minus strand); duplicating any 6 consecutive bases within chr8:143,923,541-143,923,547 gives the same sequence; the c. name uses the placement nearest the transcript's 3' end. VCF-style (leftmost placement, unchanged base first): chr8-143923540-T-TGAGCCC. GRCh37 (hg19) VCF-style: chr8-144997708-T-TGAGCCC.
Other names: c.6464_6469dup, p.Ala2156_Gln2157insArgAla (NM_000445.5); c.6341_6346dup, p.Ala2115_Gln2116insArgAla (NM_201378.4); c.6317_6322dup, p.Ala2107_Gln2108insArgAla (NM_201379.3); c.6794_6799dup, p.Ala2266_Gln2267insArgAla (NM_201380.4); c.6287_6292dup, p.Ala2097_Gln2098insArgAla (NM_201381.3); c.6383_6388dup, p.Ala2129_Gln2130insArgAla (NM_201382.4); c.6395_6400dup, p.Ala2133_Gln2134insArgAla (NM_201383.3).
Identifiers: ClinVar variation 2127623 (VCV002127623.4), dbSNP rs782029742, ClinGen allele CA4926012.